The following is an entry in ClinVar:

ClinVar aggregate classification (germline): Pathogenic (1 of 4 stars; one submission).

Conditions:
Ehlers-Danlos syndrome, kyphoscoliotic type 1 (EDSKSCL1). Also called: PLOD1-Related Kyphoscoliotic Ehlers-Danlos Syndrome; EHLERS-DANLOS SYNDROME, TYPE VIA; EHLERS-DANLOS SYNDROME, OCULAR-SCOLIOTIC TYPE; Ehlers-Danlos syndrome, hydroxylysine-deficient. Identifiers: Orphanet 1900, MedGen C0268342, MONDO:0016002, OMIM 225400. Disease mechanism: loss of function.

Submission:

Labcorp Genetics (formerly Invitae), Labcorp
Classification: Pathogenic for Ehlers-Danlos syndrome, kyphoscoliotic type 1. Last evaluated: 2022-03-14. Review status: criteria provided, single submitter. Criteria: Invitae Variant Classification Sherloc (09022015). Collection method: clinical testing. Allele origin: germline.
Comment: For these reasons, this variant has been classified as Pathogenic. This variant has not been reported in the literature in individuals affected with PLOD1-related conditions. This variant is not present in population databases (gnomAD no frequency). This sequence change creates a premature translational stop signal (p.Gln605*) in the PLOD1 gene. It is expected to result in an absent or disrupted protein product. Loss-of-function variants in PLOD1 are known to be pathogenic (PMID: 10874315, 21699693).

Literature cited by the submitters: PubMed 10874315; PubMed 21699693.

NM_000302.4(PLOD1):c.1813C>T (p.Gln605Ter)

Gene: PLOD1 (procollagen-lysine,2-oxoglutarate 5-dioxygenase 1; plus strand). Cytogenetic location: 1p36.22.
Variant type: single nucleotide variant.
Coding change: c.1813C>T on transcript NM_000302.4 (MANE Select); coding-DNA position 1813, C replaced by T.
Protein change: p.Gln605Ter; replaces glutamine 605 with a stop codon.
Molecular consequence: nonsense.
Genome position (GRCh38, 1-based): chr1:11,970,727, C>T. VCF-style: chr1-11970727-C-T. GRCh37 (hg19) VCF-style: chr1-12030784-C-T.
Other names: c.1954C>T, p.Gln652Ter (NM_001316320.2); short protein forms Q605*, Q652*.
Identifiers: ClinVar variation 2111795 (VCV002111795.4), dbSNP rs2522875121, ClinGen allele CA338449698.